The following is an entry in ClinVar:

ClinVar aggregate classification (germline): Likely pathogenic (1 of 4 stars; one submission).

Conditions:
Walker-Warburg congenital muscular dystrophy. Also called: Muscular dystrophy-dystroglycanopathy, type A; Walker-Warburg syndrome. Identifiers: Orphanet 899, MedGen C0265221, MONDO:0000171.
Muscular dystrophy-dystroglycanopathy (congenital with impaired intellectual development), type B, 1. Also called: MUSCULAR DYSTROPHY, CONGENITAL, POMT1-RELATED; Muscular dystrophy-dystroglycanopathy (congenital with intellectual disability), type B1. Identifiers: MedGen C5436962, MONDO:0013159, OMIM 613155.
Autosomal recessive limb-girdle muscular dystrophy type 2K. Also called: MUSCULAR DYSTROPHY-DYSTROGLYCANOPATHY (LIMB-GIRDLE), TYPE C, 1; MUSCULAR DYSTROPHY, LIMB-GIRDLE, TYPE 2K. Identifiers: Orphanet 86812, MedGen C1836373, MONDO:0012248, OMIM 609308.

Allele frequency attached by ClinVar (database versions not stated): ExAC 0.00001; gnomAD 0.00001; 1000 Genomes Project 30x 0.00016; 1000 Genomes Project 0.00020.

Submission:

Labcorp Genetics (formerly Invitae), Labcorp
Classification: Likely pathogenic for Muscular dystrophy-dystroglycanopathy (congenital with impaired intellectual development), type B, 1; Walker-Warburg congenital muscular dystrophy; Autosomal recessive limb-girdle muscular dystrophy type 2K. Last evaluated: 2023-11-17. Review status: criteria provided, single submitter. Criteria: Invitae Variant Classification Sherloc (09022015). Collection method: clinical testing. Allele origin: germline.
Comment: This sequence change affects an acceptor splice site in intron 9 of the POMT1 gene. It is expected to disrupt RNA splicing. Variants that disrupt the donor or acceptor splice site typically lead to a loss of protein function (PMID: 16199547), and loss-of-function variants in POMT1 are known to be pathogenic (PMID: 12369018, 15637732, 16575835). This variant is not present in population databases (gnomAD no frequency). This variant has not been reported in the literature in individuals affected with POMT1-related conditions. Algorithms developed to predict the effect of sequence changes on RNA splicing suggest that this variant may disrupt the consensus splice site. In summary, the currently available evidence indicates that the variant is pathogenic, but additional data are needed to prove that conclusively. Therefore, this variant has been classified as Likely Pathogenic.

Literature cited by the submitters: PubMed 16199547; PubMed 12369018; PubMed 15637732; PubMed 16575835.

NM_001077365.2(POMT1):c.856-2A>G

Gene: POMT1 (protein O-mannosyltransferase 1; plus strand). Cytogenetic location: 9q34.13.
Variant type: single nucleotide variant.
Coding change: c.856-2A>G on transcript NM_001077365.2 (MANE Select); the canonical splice acceptor site of the intron before coding-DNA position 856, A replaced by G.
Molecular consequence: splice acceptor variant.
Genome position (GRCh38, 1-based): chr9:131,511,335, A>G. VCF-style: chr9-131511335-A-G. GRCh37 (hg19) VCF-style: chr9-134386722-A-G.
Other names: c.760-2A>G (NM_001353198.2, NM_001353197.2); c.922-2A>G (NM_001353193.2, NM_007171.4); c.856-2A>G (NM_001136113.2, NM_001374690.1); c.694-2A>G (NM_001353194.2, NM_001077366.2, NM_001374693.1); c.505-2A>G (NM_001374691.1, NM_001353195.2, NM_001374692.1 and 1 more transcripts); c.766-2A>G (NM_001353196.2); c.466-2A>G (NM_001374695.1); c.839-2A>G (NM_001374689.1); and 3 more.
Identifiers: ClinVar variation 2925631 (VCV002925631.3), dbSNP rs199927735, ClinGen allele CA5293471.